The following is an entry in ClinVar:

NM_005751.5(AKAP9):c.10117T>G (p.Ser3373Ala)

Gene: AKAP9 (A-kinase anchoring protein 9; plus strand). Cytogenetic location: 7q21.2.
Variant type: single nucleotide variant.
Coding change: c.10117T>G on transcript NM_005751.5 (MANE Select); coding-DNA position 10117, T replaced by G.
Protein change: p.Ser3373Ala; replaces serine 3373 with alanine.
Molecular consequence: missense variant.
Genome position (GRCh38, 1-based): chr7:92,097,076, T>G. VCF-style: chr7-92097076-T-G. GRCh37 (hg19) VCF-style: chr7-91726390-T-G.
Other names: c.4762T>G, p.Ser1588Ala (NM_001379277.1); c.10093T>G, p.Ser3365Ala (NM_147185.3); short protein forms S3365A, S1588A, S3373A.
Identifiers: ClinVar variation 3849771 (VCV003849771.1).

ClinVar aggregate classification (germline): Uncertain significance (1 of 4 stars; one submission).

Conditions:
Cardiovascular phenotype. Identifiers: MedGen CN230736.

Submission:

Ambry Genetics
Classification: Uncertain significance for Cardiovascular phenotype. Last evaluated: 2025-02-27. Review status: criteria provided, single submitter. Criteria: Ambry Variant Classification Scheme 2023. Collection method: clinical testing. Allele origin: germline.
Comment: The p.S3373A variant (also known as c.10117T>G), located in coding exon 41 of the AKAP9 gene, results from a T to G substitution at nucleotide position 10117. The serine at codon 3373 is replaced by alanine, an amino acid with similar properties. This amino acid position is conserved. In addition, this alteration is predicted to be tolerated by in silico analysis. Based on the available evidence, the clinical significance of this variant remains unclear.